The following is an entry in ClinVar:

ClinVar aggregate classification (germline): Uncertain significance. Review status: criteria provided, multiple submitters, no conflicts (2 of 4 stars). 2 submissions from 2 submitters: Uncertain significance (2). Last evaluated 2025-06-22.

Submissions (2):

Ambry Genetics
Classification: Uncertain significance. Last evaluated: 2025-06-22. Review status: criteria provided, single submitter. Criteria: Ambry Variant Classification Scheme 2023. Collection method: clinical testing. Allele origin: germline.
Comment: The p.L31P variant (also known as c.92T>C), located in coding exon 1 of the SRP72 gene, results from a T to C substitution at nucleotide position 92. The leucine at codon 31 is replaced by proline, an amino acid with similar properties. This amino acid position is conserved. In addition, the in silico prediction for this alteration is inconclusive. Based on the available evidence, the clinical significance of this variant remains unclear.

Labcorp Genetics (formerly Invitae), Labcorp
Classification: Uncertain significance. Last evaluated: 2023-08-11. Review status: criteria provided, single submitter. Criteria: Invitae Variant Classification Sherloc (09022015). Collection method: clinical testing. Allele origin: germline.
Comment: Advanced modeling of protein sequence and biophysical properties (such as structural, functional, and spatial information, amino acid conservation, physicochemical variation, residue mobility, and thermodynamic stability) performed at Invitae indicates that this missense variant is expected to disrupt SRP72 protein function. This variant has not been reported in the literature in individuals affected with SRP72-related conditions. This variant is not present in population databases (gnomAD no frequency). This sequence change replaces leucine, which is neutral and non-polar, with proline, which is neutral and non-polar, at codon 31 of the SRP72 protein (p.Leu31Pro). In summary, the available evidence is currently insufficient to determine the role of this variant in disease. Therefore, it has been classified as a Variant of Uncertain Significance.

NM_006947.4(SRP72):c.92T>C (p.Leu31Pro)

Gene: SRP72 (signal recognition particle 72; plus strand). Cytogenetic location: 4q12.
Variant type: single nucleotide variant.
Coding change: c.92T>C on transcript NM_006947.4 (MANE Select); coding-DNA position 92, T replaced by C.
Protein change: p.Leu31Pro; replaces leucine 31 with proline.
Molecular consequence: missense variant. On other transcripts: non-coding transcript variant (1).
Genome position (GRCh38, 1-based): chr4:56,467,727, T>C. VCF-style: chr4-56467727-T-C. GRCh37 (hg19) VCF-style: chr4-57333893-T-C.
Other names: c.92T>C (NM_006947.3); c.92T>C, p.Leu31Pro (NM_001267722.2); short protein forms L31P.
Identifiers: ClinVar variation 2813364 (VCV002813364.4), dbSNP rs2545742964, ClinGen allele CA356995681.